The following is an entry in ClinVar:

NM_024426.6(WT1):c.1373G>A (p.Cys458Tyr)

Gene: WT1 (WT1 transcription factor; minus strand). Cytogenetic location: 11p13.
Variant type: single nucleotide variant.
Coding change: c.1373G>A on transcript NM_024426.6 (MANE Select); coding-DNA position 1373, G replaced by A.
Protein change: p.Cys458Tyr; replaces cysteine 458 with tyrosine.
Molecular consequence: missense variant. On other transcripts: non-coding transcript variant (2), intron variant (2).
Genome position (GRCh38, 1-based): chr11:32,392,046, C>T on the plus strand (G>A on the coding strand, the complement: WT1 is on the minus strand). VCF-style: chr11-32392046-C-T. GRCh37 (hg19) VCF-style: chr11-32413592-C-T.
Other names: c.1322G>A, p.Cys441Tyr (NM_000378.6, NM_001407045.1); c.722G>A, p.Cys241Tyr (NM_001198551.2); c.671G>A, p.Cys224Tyr (NM_001198552.2); c.185G>A, p.Cys62Tyr (NM_001367854.1); c.1367G>A, p.Cys456Tyr (NM_001407044.1); c.1250G>A, p.Cys417Tyr (NM_001407047.1); c.1232G>A, p.Cys411Tyr (NM_001407048.1); c.1199G>A, p.Cys400Tyr (NM_001407050.1); and 5 more; short protein forms C62Y, C204Y, C411Y, C456Y, C224Y, C241Y, C436Y, C441Y.
Identifiers: ClinVar variation 2925474 (VCV002925474.3), dbSNP rs2132915129, ClinGen allele CA379958955.

ClinVar aggregate classification (germline): Pathogenic (1 of 4 stars; one submission).

Conditions:
Wilms tumor 1 (WT1). Also called: Wilms tumor, somatic. Identifiers: Orphanet 654, MedGen CN033288, MONDO:0008679, OMIM 194070.
Drash syndrome (DDS). Also called: NEPHROPATHY, WILMS TUMOR, AND GENITAL ANOMALIES; WILMS TUMOR AND PSEUDO- OR TRUE HERMAPHRODITISM. Identifiers: Orphanet 220, MedGen C0950121, MONDO:0008682, OMIM 194080.
Frasier syndrome. Identifiers: Orphanet 347, MedGen C0950122, MeSH D052159, MONDO:0007635, OMIM 136680.
11p partial monosomy syndrome (WAGR). Also called: CHROMOSOME 11p13 DELETION SYNDROME; WAGR Spectrum Disorder; WAGR syndrome; WAGR Complex. Identifiers: Orphanet 893, MedGen C0206115, MONDO:0008681, OMIM 194072.

Submission:

Labcorp Genetics (formerly Invitae), Labcorp
Classification: Pathogenic for Wilms tumor 1; Drash syndrome; 11p partial monosomy syndrome; Frasier syndrome. Last evaluated: 2023-01-31. Review status: criteria provided, single submitter. Criteria: Invitae Variant Classification Sherloc (09022015). Collection method: clinical testing. Allele origin: germline.
Comment: This variant is not present in population databases (gnomAD no frequency). For these reasons, this variant has been classified as Pathogenic. This variant disrupts the p.Cys453 amino acid residue in WT1. Other variant(s) that disrupt this residue have been determined to be pathogenic (PMID: 9475094, 25818337, 27300205, 28658201). This suggests that this residue is clinically significant, and that variants that disrupt this residue are likely to be disease-causing. Algorithms developed to predict the effect of missense changes on protein structure and function (SIFT, PolyPhen-2, Align-GVGD) all suggest that this variant is likely to be disruptive. This variant is also known as c.722G>A (p.C241Y). This missense change has been observed in individual(s) with WT1-related disorders (PMID: 24402088, 34031707). In at least one individual the variant was observed to be de novo. This sequence change replaces cysteine, which is neutral and slightly polar, with tyrosine, which is neutral and polar, at codon 453 of the WT1 protein (p.Cys453Tyr).

Literature cited by the submitters: PubMed 9475094; PubMed 25818337; PubMed 27300205; PubMed 28658201; PubMed 24402088; PubMed 34031707.